The following is an entry in ClinVar:

ClinVar aggregate classification (germline): Uncertain significance. Review status: criteria provided, multiple submitters, no conflicts (2 of 4 stars). 2 submissions from 2 submitters: Uncertain significance (2). Last evaluated 2024-07-27.

Conditions:
Pseudo-Hurler polydystrophy. Also called: ML III; ML III ALPHA/BETA; MUCOLIPIDOSIS IIIA; Type III Mucolipidosis; ML IIIA; Mucolipidosis III Alpha/Beta. Identifiers: Orphanet 423461, Orphanet 577, MedGen C0033788, MONDO:0018931, OMIM 252600.
Mucolipidosis type II. Also called: ML II ALPHA/BETA; Mucolipidosis 2; ML 2; Inclusion cell disease; Leroy Disease; N-acetylglucosamine 1phosphotransferase deficiency. Identifiers: Orphanet 576, MedGen C2673377, MONDO:0009650, OMIM 252500.
Inborn genetic diseases. Identifiers: MedGen C0950123, MeSH D030342.

Allele frequency attached by ClinVar (database versions not stated): gnomAD exomes below 0.00001; ExAC 0.00001.

Submissions (2):

Ambry Genetics
Classification: Uncertain significance for Inborn genetic diseases. Last evaluated: 2024-07-27. Review status: criteria provided, single submitter. Criteria: Ambry Variant Classification Scheme 2023. Collection method: clinical testing. Allele origin: germline.

Labcorp Genetics (formerly Invitae), Labcorp
Classification: Uncertain significance for Pseudo-Hurler polydystrophy; Mucolipidosis type II. Last evaluated: 2022-02-04. Review status: criteria provided, single submitter. Criteria: Invitae Variant Classification Sherloc (09022015). Collection method: clinical testing. Allele origin: germline.
Comment: This sequence change replaces aspartic acid, which is acidic and polar, with asparagine, which is neutral and polar, at codon 1139 of the GNPTAB protein (p.Asp1139Asn). This variant is present in population databases (rs758156963, gnomAD 0.0009%). This variant has not been reported in the literature in individuals affected with GNPTAB-related conditions. Algorithms developed to predict the effect of missense changes on protein structure and function are either unavailable or do not agree on the potential impact of this missense change (SIFT: "Tolerated"; PolyPhen-2: "Probably Damaging"; Align-GVGD: "Class C0"). In summary, the available evidence is currently insufficient to determine the role of this variant in disease. Therefore, it has been classified as a Variant of Uncertain Significance.

NM_024312.5(GNPTAB):c.3415G>A (p.Asp1139Asn)

Gene: GNPTAB (N-acetylglucosamine-1-phosphate transferase subunits alpha and beta; minus strand). Cytogenetic location: 12q23.2.
Variant type: single nucleotide variant.
Coding change: c.3415G>A on transcript NM_024312.5 (MANE Select); coding-DNA position 3415, G replaced by A.
Protein change: p.Asp1139Asn; replaces aspartic acid 1139 with asparagine.
Molecular consequence: missense variant.
Genome position (GRCh38, 1-based): chr12:101,757,231, C>T on the plus strand (G>A on the coding strand, the complement: GNPTAB is on the minus strand). VCF-style: chr12-101757231-C-T. GRCh37 (hg19) VCF-style: chr12-102151009-C-T.
Other names: c.3415G>A (NM_024312.4); short protein forms D1139N.
Identifiers: ClinVar variation 1410672 (VCV001410672.6), dbSNP rs758156963, ClinGen allele CA6746162.